The following is an entry in ClinVar:

NM_003998.4(NFKB1):c.1050C>A (p.Tyr350Ter)

Gene: NFKB1 (nuclear factor kappa B subunit 1; plus strand). Cytogenetic location: 4q24.
Variant type: single nucleotide variant.
Coding change: c.1050C>A on transcript NM_003998.4 (MANE Select); coding-DNA position 1050, C replaced by A.
Protein change: p.Tyr350Ter; replaces tyrosine 350 with a stop codon.
Molecular consequence: nonsense.
Genome position (GRCh38, 1-based): chr4:102,584,804, C>A. VCF-style: chr4-102584804-C-A. GRCh37 (hg19) VCF-style: chr4-103505961-C-A.
Other names: c.1047C>A, p.Tyr349Ter (NM_001165412.2, NM_001319226.2, NM_001382627.1); c.1050C>A, p.Tyr350Ter (NM_001382625.1, NM_001382626.1); c.1008C>A, p.Tyr336Ter (NM_001382628.1); short protein forms Y349*, Y336*, Y350*.
Identifiers: ClinVar variation 4734593 (VCV004734593.1).

ClinVar aggregate classification (germline): Pathogenic (1 of 4 stars; one submission).

Submission:

Labcorp Genetics (formerly Invitae), Labcorp
Classification: Pathogenic. Last evaluated: 2026-01-12. Review status: criteria provided, single submitter. Criteria: Invitae Variant Classification Sherloc (09022015). Collection method: clinical testing. Allele origin: germline.
Comment: This sequence change creates a premature translational stop signal (p.Tyr350*) in the NFKB1 gene. It is expected to result in an absent or disrupted protein product. Loss-of-function variants in NFKB1 are known to be pathogenic (PMID: 26279205, 29477724). This variant is not present in population databases (gnomAD no frequency). This variant has not been reported in the literature in individuals affected with NFKB1-related conditions. For these reasons, this variant has been classified as Pathogenic.

Literature cited by the submitters: PubMed 26279205; PubMed 29477724.